The following is an entry in ClinVar:

ClinVar aggregate classification (germline): Uncertain significance (1 of 4 stars; one submission).

Conditions:
PARD3B-related disorder. Also called: PARD3B-related condition.

Allele frequency attached by ClinVar (database versions not stated): gnomAD exomes 0.00001; gnomAD 0.00002; TOPMed 0.00005.

Submission:

PreventionGenetics, part of Exact Sciences
Classification: Uncertain significance for PARD3B-related condition. Last evaluated: 2023-01-27. Review status: criteria provided, single submitter. Criteria: ACMG Guidelines, 2015. Collection method: clinical testing. Allele origin: germline.
Comment: The PARD3B c.680+1_680+3dupGTA variant is predicted to result in an intronic duplication. To our knowledge, this variant has not been reported in the literature. This variant is reported in 0.00090% of alleles in individuals of European (Non-Finnish) descent in gnomAD. Other variants predicted to impact splicing have been reported in association with neurodevelopmental phenotypes (Stessman et al. 2017. PubMed ID: 28191889). At this time, the clinical significance of this variant is uncertain due to the absence of conclusive functional and genetic evidence.

NM_001302769.2(PARD3B):c.680+1_680+3dup

Gene: PARD3B (par-3 family cell polarity regulator beta; plus strand). Cytogenetic location: 2q33.3.
Variant type: Duplication.
Coding change: c.680+1_680+3dup on transcript NM_001302769.2 (MANE Select); the canonical splice donor site of the intron after coding-DNA position 680 through 3 bases into the intron after coding-DNA position 680, 3 bases duplicated (GTA; older notation c.680+1_680+3dupGTA).
Molecular consequence: splice donor variant.
Genome position (GRCh38, 1-based): chr2:205,113,578-205,113,580, GTA duplicated. VCF-style (leftmost placement, unchanged base first): chr2-205113577-G-GGTA. GRCh37 (hg19) VCF-style: chr2-205978301-G-GGTA.
Other names: c.680+1_680+3dup (NM_205863.4, NM_057177.7, NM_152526.6).
Identifiers: ClinVar variation 2630340 (VCV002630340.1), dbSNP rs1004483054, ClinGen allele CA64282019.
Genomic context (GRCh38, chr2:205,113,577, plus strand): 5'-CTGGGGAAGGAGGCCCATTGGGAATACATGTAGTGCCCTTCTTTTCATCTCTGAGTGGAA[G>GGTA]GTAAGATGTTTTTCTCATTCCAGAAGCTCATGCTAATGAAAACCCTGATTTGAGCTCCTT-3'